The following is an entry in ClinVar:

ClinVar aggregate classification (germline): Uncertain significance. Review status: criteria provided, multiple submitters, no conflicts (2 of 4 stars). 2 submissions from 2 submitters: Uncertain significance (2). Last evaluated 2023-11-02.

gnomAD v4.1: 15 of 1,614,034 alleles (0.00093%); highest among the groups gnomAD compares: Non-Finnish European, 0.0011%; no homozygotes.

Submissions (2):

GeneDx
Classification: Uncertain significance. Last evaluated: 2023-11-02. Review status: criteria provided, single submitter. Criteria: GeneDx Variant Classification Process June 2021. Collection method: clinical testing. Allele origin: germline. Affected: yes.
Comment: Not observed at significant frequency in large population cohorts (gnomAD); In silico analysis supports that this variant has a deleterious effect on splicing; Has not been previously published as pathogenic or benign to our knowledge

Blueprint Genetics
Classification: Uncertain significance. Last evaluated: 2022-06-16. Review status: criteria provided, single submitter. Criteria: ACMG Guidelines, 2015. Collection method: clinical testing. Allele origin: germline.

NM_015662.3(IFT172):c.4224G>A (p.Ser1408=)

Gene: IFT172 (intraflagellar transport 172; minus strand). Cytogenetic location: 2p23.3.
Variant type: single nucleotide variant.
Coding change: c.4224G>A on transcript NM_015662.3 (MANE Select); coding-DNA position 4224, G replaced by A.
Protein change: p.Ser1408=; no amino-acid change (serine 1408 retained).
Molecular consequence: synonymous variant.
Genome position (GRCh38, 1-based): chr2:27,449,499, C>T on the plus strand (G>A on the coding strand, the complement: IFT172 is on the minus strand). VCF-style: chr2-27449499-C-T. GRCh37 (hg19) VCF-style: chr2-27672366-C-T.
Other names: c.4158G>A, p.Ser1386= (NM_001410739.1).
Identifiers: ClinVar variation 3363709 (VCV003363709.2).